The following is an entry in ClinVar:

NM_000548.5(TSC2):c.4338_4341dup (p.Ser1448fs)

Gene: TSC2 (TSC complex subunit 2; plus strand). Cytogenetic location: 16p13.3.
Variant type: Duplication.
Coding change: c.4338_4341dup on transcript NM_000548.5 (MANE Select); coding-DNA positions 4338 to 4341, 4 bases duplicated (TTCC; older notation c.4338_4341dupTTCC).
Protein change: p.Ser1448fs; shifts the reading frame from serine 1448.
Molecular consequence: frameshift variant.
Genome position (GRCh38, 1-based): chr16:2,084,560-2,084,563, TTCC duplicated; duplicating any 4 consecutive bases within chr16:2,084,558-2,084,563 gives the same sequence; the c. name uses the placement nearest the transcript's 3' end. VCF-style (leftmost placement, unchanged base first): chr16-2084557-G-GCCTT. GRCh37 (hg19) VCF-style: chr16-2134558-G-GCCTT.
Other names: c.4209_4212dup, p.Ser1405fs (NM_021055.3, NM_001370405.1); c.4137_4140dup, p.Ser1381fs (NM_001077183.3); c.4269_4272dup, p.Ser1425fs (NM_001114382.3); c.4029_4032dup, p.Ser1345fs (NM_001318827.2); c.3993_3996dup, p.Ser1333fs (NM_001318829.2); c.3606_3609dup, p.Ser1204fs (NM_001318831.2); c.4170_4173dup, p.Ser1392fs (NM_001318832.2); c.4140_4143dup, p.Ser1382fs (NM_001363528.2); and 1 more; short protein forms S1345fs, S1405fs, S1333fs, S1381fs, S1425fs, S1382fs, S1392fs, S1448fs.
Identifiers: ClinVar variation 656917 (VCV000656917.2), dbSNP rs1596417662, ClinGen allele CA915946304.
Genomic context (GRCh38, chr16:2,084,557, plus strand): 5'-GGAAAGTGCTGCCTGGTCGGCCTCGGGCGAAGACAGTCGGGGCCAGCCCGAGGGTCCCTT[G>GCCTT]CCTTCCAGCTCCCCCCGCTCGCCCAGTGGCCTCCGGCCCCGAGGTTACACCATCTCCGAC-3'

ClinVar aggregate classification (germline): Pathogenic (1 of 4 stars; one submission).

Conditions:
Tuberous sclerosis 2 (TSC2). Identifiers: Orphanet 805, MedGen C1860707, MONDO:0013199, OMIM 613254.

Submission:

Labcorp Genetics (formerly Invitae), Labcorp
Classification: Pathogenic for Tuberous sclerosis 2. Last evaluated: 2018-10-06. Review status: criteria provided, single submitter. Criteria: Invitae Variant Classification Sherloc (09022015). Collection method: clinical testing. Allele origin: germline.
Comment: This sequence change creates a premature translational stop signal (p.Ser1448Phefs*77) in the TSC2 gene. It is expected to result in an absent or disrupted protein product. This variant is not present in population databases (ExAC no frequency). This variant has not been reported in the literature in individuals with TSC2-related disease. Loss-of-function variants in TSC2 are known to be pathogenic (PMID: 10205261, 17304050). For these reasons, this variant has been classified as Pathogenic.

Literature cited by the submitters: PubMed 10205261; PubMed 17304050.